The following is an entry in ClinVar:

ClinVar aggregate classification (germline): Benign/Likely benign. Review status: criteria provided, multiple submitters, no conflicts (2 of 4 stars). 9 submissions from 9 submitters: Benign (5); Likely benign (4). Last evaluated 2026-04-06.

Conditions:
Ehlers-Danlos syndrome (EDS). Identifiers: Orphanet 98249, MedGen C0013720, MONDO:0020066.
Brittle cornea syndrome 1 (BCS1). Also called: CORNEAL FRAGILITY, KERATOGLOBUS, BLUE SCLERAE, JOINT HYPEREXTENSIBILITY; Corneal fragility keratoglobus, blue sclerae AND joint hypermobility; EDS6B; FRAGILITAS OCULI WITH JOINT HYPEREXTENSIBILITY; DYSGENESIS MESODERMALIS CORNEAE ET SCLERAE. Identifiers: Orphanet 90354, MedGen C0268344, MONDO:0024543, OMIM 229200.
Cardiovascular phenotype. Identifiers: MedGen CN230736.

Allele frequency attached by ClinVar (database versions not stated): gnomAD exomes 0.00143; ExAC 0.00210; 1000 Genomes Project 0.00619; 1000 Genomes Project 30x 0.00625; gnomAD 0.00675 and 0.00731; TOPMed 0.00744.
gnomAD v4.1: 2,053 of 1,549,498 alleles (0.13%); highest among the groups gnomAD compares: African/African-American, 2.4%; 20 homozygotes.

Submissions (9):

Women's Health and Genetics/Laboratory Corporation of America, LabCorp
Classification: Likely benign. Last evaluated: 2026-04-06. Review status: criteria provided, single submitter. Criteria: LabCorp Variant Classification Summary - May 2015. Collection method: clinical testing. Allele origin: germline.

Labcorp Genetics (formerly Invitae), Labcorp
Classification: Benign. Last evaluated: 2026-01-28. Review status: criteria provided, single submitter. Criteria: Invitae Variant Classification Sherloc (09022015). Collection method: clinical testing. Allele origin: germline.

Mayo Clinic Laboratories, Mayo Clinic
Classification: Benign. Last evaluated: 2025-02-11. Review status: criteria provided, single submitter. Criteria: ACMG Guidelines, 2015. Collection method: clinical testing. Allele origin: germline. Observed: 2 variant alleles.
Comment: BS1, BS2, BP4, BP7

Blueprint Genetics
Classification: Likely benign. Last evaluated: 2024-11-13. Review status: criteria provided, single submitter. Criteria: ACMG Guidelines, 2015. Collection method: clinical testing. Allele origin: germline.

Genome Diagnostics Laboratory, The Hospital for Sick Children
Classification: Likely benign for Ehlers-Danlos syndrome. Last evaluated: 2021-12-08. Review status: criteria provided, single submitter. Criteria: ACMG Guidelines, 2015. Collection method: clinical testing. Allele origin: germline.

Genome-Nilou Lab
Classification: Benign for Brittle cornea syndrome 1. Last evaluated: 2021-12-05. Review status: criteria provided, single submitter. Criteria: ACMG Guidelines, 2015. Collection method: clinical testing. Allele origin: germline. Affected: no.

Ambry Genetics
Classification: Likely benign for Cardiovascular phenotype. Last evaluated: 2020-01-06. Review status: criteria provided, single submitter. Criteria: Ambry Variant Classification Scheme 2023. Collection method: clinical testing. Allele origin: germline.

GeneDx
Classification: Benign. Last evaluated: 2019-01-15. Review status: criteria provided, single submitter. Criteria: GeneDx Variant Classification Process June 2021. Collection method: clinical testing. Allele origin: germline. Affected: yes.

Breakthrough Genomics
Classification: Benign. Review status: criteria provided, single submitter. Criteria: ACMG Guidelines, 2015. Collection method: not provided. Allele origin: germline. Inheritance: Autosomal recessive inheritance. Affected: yes.

NM_001367624.2(ZNF469):c.8868C>T (p.Pro2956=)

Gene: ZNF469 (zinc finger protein 469; plus strand). Cytogenetic location: 16q24.2.
Variant type: single nucleotide variant.
Coding change: c.8868C>T on transcript NM_001367624.2 (MANE Select); coding-DNA position 8868, C replaced by T.
Protein change: p.Pro2956=; no amino-acid change (proline 2956 retained).
Molecular consequence: synonymous variant.
Genome position (GRCh38, 1-based): chr16:88,436,338, C>T. VCF-style: chr16-88436338-C-T. GRCh37 (hg19) VCF-style: chr16-88502746-C-T.
Other names: NM_001127464.1:c.8784C>T; NM_001127464.2:c.8784C>T; p.Pro2956=.
Identifiers: ClinVar variation 506449 (VCV000506449.22), dbSNP rs137930753, ClinGen allele CA8225385.